The following is an entry in ClinVar:

ClinVar aggregate classification (germline): Uncertain significance (1 of 4 stars; one submission).

Conditions:
Spinocerebellar ataxia type 14 (SCA14). Identifiers: Orphanet 98763, MedGen C1854369, MONDO:0011540, OMIM 605361.

Submission:

Centre for Mendelian Genomics, University Medical Centre Ljubljana
Classification: Uncertain significance for Spinocerebellar ataxia type 14. Last evaluated: 2026-07-22. Review status: criteria provided, single submitter. Criteria: ACMG Guidelines, 2015. Collection method: clinical testing. Allele origin: germline. Affected: yes. Observed: 1 variant allele.
Comment: This variant has not previously been reported in the scientific literature; however, pathogenic variants in patients with ataxia have been reported in the N-terminal region of the protein, where the identified variant is also located. The variant is absent from control populations in gnomAD [PM2]. This is a missense variant in a gene with a low rate of benign missense variation, in which missense variants are a common mechanism of pathogenicity in PRKCG-associated disorders [PP2]. In silico pathogenicity prediction algorithms uniformly predict the variant as pathogenic [PP3]. Based on the evidence presented above, we classify this variant as a variant of uncertain significance.

NM_002739.5(PRKCG):c.167T>A (p.Ile56Asn)

Gene: PRKCG (protein kinase C gamma; plus strand). Cytogenetic location: 19q13.42.
Variant type: single nucleotide variant.
Coding change: c.167T>A on transcript NM_002739.5 (MANE Select); coding-DNA position 167, T replaced by A.
Protein change: p.Ile56Asn; replaces isoleucine 56 with asparagine.
Molecular consequence: missense variant.
Genome position (GRCh38, 1-based): chr19:53,882,661, T>A. VCF-style: chr19-53882661-T-A. GRCh37 (hg19) VCF-style: chr19-54385915-T-A.
Other names: p.Ile56Asn; c.167T>A, p.Ile56Asn (NM_001316329.2); short protein forms I56N.
Identifiers: ClinVar variation 4871893 (VCV004871893.1).